The following is an entry in ClinVar:

ClinVar aggregate classification (germline): Conflicting classifications of pathogenicity. Review status: criteria provided, conflicting classifications (1 of 4 stars). 6 submissions from 6 submitters: Uncertain significance (5); Likely benign (1). Last evaluated 2026-06-02.

Conditions:
Inborn genetic diseases. Identifiers: MedGen C0950123, MeSH D030342.

Allele frequency attached by ClinVar (database versions not stated): gnomAD 0.00001; TOPMed 0.00001; ExAC 0.00002; gnomAD exomes 0.00003; ESP Exome Variant Server 0.00008.
gnomAD v4.1: 34 of 1,613,472 alleles (0.0021%); highest among the groups gnomAD compares: South Asian, 0.0077%; no homozygotes.

Submissions (6):

Women's Health and Genetics/Laboratory Corporation of America, LabCorp
Classification: Uncertain significance. Last evaluated: 2026-06-02. Review status: criteria provided, single submitter. Criteria: LabCorp Variant Classification Summary - May 2015. Collection method: clinical testing. Allele origin: germline.
Comment: Variant summary: COL11A1 c.3076C>T (p.Arg1026Cys) results in a non-conservative amino acid change in the encoded protein sequence. Algorithms developed to predict the effect of missense changes on protein structure and function all suggest that this variant is likely to be disruptive. The variant allele was found at a frequency of 2.8e-05 in 251420 control chromosomes. The available data on variant occurrences in the general population are insufficient to allow any conclusion about variant significance. c.3076C>T has been observed in individual(s) affected with sensorineural hearing loss (e.g. Florentine_2022) . These report(s) do not provide unequivocal conclusions about association of the variant with disease. To our knowledge, no experimental evidence demonstrating an impact on protein function has been reported. The following publication has been ascertained in the context of this evaluation (PMID: 34515852). ClinVar contains an entry for this variant (Variation ID: 1300753). Based on the evidence outlined above, the variant was classified as uncertain significance.

Labcorp Genetics (formerly Invitae), Labcorp
Classification: Likely benign. Last evaluated: 2024-07-01. Review status: criteria provided, single submitter. Criteria: Invitae Variant Classification Sherloc (09022015). Collection method: clinical testing. Allele origin: germline.

Mayo Clinic Laboratories, Mayo Clinic
Classification: Uncertain significance. Last evaluated: 2023-11-17. Review status: criteria provided, single submitter. Criteria: ACMG Guidelines, 2015. Collection method: clinical testing. Allele origin: germline. Observed: 1 variant allele.
Comment: PP3

Blueprint Genetics
Classification: Uncertain significance. Last evaluated: 2022-03-10. Review status: criteria provided, single submitter. Criteria: ACMG Guidelines, 2015. Collection method: clinical testing. Allele origin: germline.

GeneDx
Classification: Uncertain significance. Last evaluated: 2021-10-05. Review status: criteria provided, single submitter. Criteria: GeneDx Variant Classification Process June 2021. Collection method: clinical testing. Allele origin: germline. Affected: yes.
Comment: Has not been previously published as pathogenic or benign to our knowledge; In silico analysis, which includes protein predictors and evolutionary conservation, supports a deleterious effect

Ambry Genetics
Classification: Uncertain significance for Inborn genetic diseases. Last evaluated: 2021-06-18. Review status: criteria provided, single submitter. Criteria: Ambry Variant Classification Scheme 2023. Collection method: clinical testing. Allele origin: germline.

Literature cited by the submitters: PubMed 34515852 (cited by Women's Health and Genetics/Laboratory Corporation of America, LabCorp and Mayo Clinic Laboratories, Mayo Clinic).

NM_001854.4(COL11A1):c.3076C>T (p.Arg1026Cys)

Gene: COL11A1 (collagen type XI alpha 1 chain; minus strand). Cytogenetic location: 1p21.1.
Variant type: single nucleotide variant.
Coding change: c.3076C>T on transcript NM_001854.4 (MANE Select); coding-DNA position 3076, C replaced by T.
Protein change: p.Arg1026Cys; replaces arginine 1026 with cysteine.
Molecular consequence: missense variant. On other transcripts: non-coding transcript variant (1).
Genome position (GRCh38, 1-based): chr1:102,962,214, G>A on the plus strand (C>T on the coding strand, the complement: COL11A1 is on the minus strand). VCF-style: chr1-102962214-G-A. GRCh37 (hg19) VCF-style: chr1-103427770-G-A.
Other names: p.Arg1026Cys; c.2959C>T, p.Arg987Cys (NM_001190709.2); c.3112C>T, p.Arg1038Cys (NM_080629.3); c.2728C>T, p.Arg910Cys (NM_080630.4); short protein forms R1026C, R1038C, R910C, R987C.
Identifiers: ClinVar variation 1300753 (VCV001300753.13), dbSNP rs377320274, ClinGen allele CA974169.